The following is an entry in ClinVar:

NM_000341.4(SLC3A1):c.67G>A (p.Gly23Arg)

Gene: SLC3A1 (solute carrier family 3 member 1; plus strand). Cytogenetic location: 2p21.
Variant type: single nucleotide variant.
Coding change: c.67G>A on transcript NM_000341.4 (MANE Select); coding-DNA position 67, G replaced by A.
Protein change: p.Gly23Arg; replaces glycine 23 with arginine.
Molecular consequence: missense variant.
Genome position (GRCh38, 1-based): chr2:44,275,602, G>A. VCF-style: chr2-44275602-G-A. GRCh37 (hg19) VCF-style: chr2-44502741-G-A.
Other names: short protein forms G23R.
Identifiers: ClinVar variation 1462171 (VCV001462171.7), dbSNP rs750919380, ClinGen allele CA1640010.

ClinVar aggregate classification (germline): Uncertain significance. Review status: criteria provided, multiple submitters, no conflicts (2 of 4 stars). 2 submissions from 2 submitters: Uncertain significance (2). Last evaluated 2022-08-16.

Conditions:
Cystinuria (CSNU). Also called: CYSTINURIA, TYPE I; CYSTINURIA, TYPE II; CYSTINURIA, TYPE III; Cystinuria, non-type I. Identifiers: Orphanet 214, MedGen C0010691, MONDO:0009067, OMIM 220100, HP:0003131.

Allele frequency attached by ClinVar (database versions not stated): TOPMed below 0.00001; gnomAD exomes 0.00001; ExAC 0.00002.

Submissions (2):

Labcorp Genetics (formerly Invitae), Labcorp
Classification: Uncertain significance for Cystinuria. Last evaluated: 2022-08-16. Review status: criteria provided, single submitter. Criteria: Invitae Variant Classification Sherloc (09022015). Collection method: clinical testing. Allele origin: germline.
Comment: This sequence change replaces glycine, which is neutral and non-polar, with arginine, which is basic and polar, at codon 23 of the SLC3A1 protein (p.Gly23Arg). This variant is present in population databases (rs750919380, gnomAD 0.003%). In summary, the available evidence is currently insufficient to determine the role of this variant in disease. Therefore, it has been classified as a Variant of Uncertain Significance. Algorithms developed to predict the effect of missense changes on protein structure and function are either unavailable or do not agree on the potential impact of this missense change (SIFT: "Deleterious"; PolyPhen-2: "Probably Damaging"; Align-GVGD: "Class C0"). ClinVar contains an entry for this variant (Variation ID: 1462171). This variant has not been reported in the literature in individuals affected with SLC3A1-related conditions.

Fulgent Genetics
Classification: Uncertain significance for Cystinuria. Last evaluated: 2021-12-28. Review status: criteria provided, single submitter. Criteria: ACMG Guidelines, 2015. Collection method: clinical testing. Allele origin: unknown.